The following is an entry in ClinVar:

NM_001205293.3(CACNA1E):c.6817C>T (p.Arg2273Trp)

Gene: CACNA1E (calcium voltage-gated channel subunit alpha1 E; plus strand). Cytogenetic location: 1q25.3.
Variant type: single nucleotide variant.
Coding change: c.6817C>T on transcript NM_001205293.3 (MANE Select); coding-DNA position 6817, C replaced by T.
Protein change: p.Arg2273Trp; replaces arginine 2273 with tryptophan.
Molecular consequence: missense variant.
Genome position (GRCh38, 1-based): chr1:181,798,709, C>T. VCF-style: chr1-181798709-C-T. GRCh37 (hg19) VCF-style: chr1-181767845-C-T.
Other names: c.6688C>T, p.Arg2230Trp (NM_000721.4); c.6631C>T, p.Arg2211Trp (NM_001205294.2); short protein forms R2230W, R2211W, R2273W.
Identifiers: ClinVar variation 2750574 (VCV002750574.3), dbSNP rs1047211592, ClinGen allele CA34197648.
Genomic context (GRCh38, chr1:181,798,709, plus strand): 5'-GAAGCAGCCGTGGCTACTAGCCTGGGCCGTTCCAACACCATCGGCTCAGCCCCACCCCTG[C>T]GGCATAGCTGGCAGATGCCCAACGGGCACTATCGGCGGCGGAGGCGCGGGGGGCCTGGGC-3'
Protein context (NP_001192222.1, residues 2263-2283): SNTIGSAPPL[Arg2273Trp]HSWQMPNGHY

ClinVar aggregate classification (germline): Uncertain significance (1 of 4 stars; one submission).

Allele frequency attached by ClinVar (database versions not stated): gnomAD 0.00001; TOPMed 0.00001.
gnomAD v4.1: 36 of 1,608,306 alleles (0.0022%); highest among the groups gnomAD compares: Non-Finnish European, 0.0026%; no homozygotes.

Submission:

Labcorp Genetics (formerly Invitae), Labcorp
Classification: Uncertain significance. Last evaluated: 2022-12-24. Review status: criteria provided, single submitter. Criteria: Invitae Variant Classification Sherloc (09022015). Collection method: clinical testing. Allele origin: germline.
Comment: In summary, the available evidence is currently insufficient to determine the role of this variant in disease. Therefore, it has been classified as a Variant of Uncertain Significance. Advanced modeling of protein sequence and biophysical properties (such as structural, functional, and spatial information, amino acid conservation, physicochemical variation, residue mobility, and thermodynamic stability) has been performed at Invitae for this missense variant, however the output from this modeling did not meet the statistical confidence thresholds required to predict the impact of this variant on CACNA1E protein function. This variant has not been reported in the literature in individuals affected with CACNA1E-related conditions. The frequency data for this variant in the population databases is considered unreliable, as metrics indicate poor data quality at this position in the gnomAD database. This sequence change replaces arginine, which is basic and polar, with tryptophan, which is neutral and slightly polar, at codon 2230 of the CACNA1E protein (p.Arg2230Trp).